The following is an entry in ClinVar:

ClinVar aggregate classification (germline): Likely pathogenic (1 of 4 stars; one submission).

Conditions:
Duchenne muscular dystrophy (DMD). Also called: Duchenne Muscular Dystrophy (DMD); MUSCULAR DYSTROPHY, PSEUDOHYPERTROPHIC PROGRESSIVE, DUCHENNE TYPE. Identifiers: Orphanet 98896, MedGen C0013264, MONDO:0010679, OMIM 310200.

Submissions (2):

Labcorp Genetics (formerly Invitae), Labcorp
Classification: Likely pathogenic for Duchenne muscular dystrophy. Last evaluated: 2024-11-23. Review status: criteria provided, single submitter. Criteria: Invitae Variant Classification Sherloc (09022015). Collection method: clinical testing. Allele origin: germline.
Comment: This sequence change affects an acceptor splice site in intron 49 of the DMD gene. It is expected to disrupt RNA splicing. Variants that disrupt the donor or acceptor splice site typically lead to a loss of protein function (PMID: 16199547), and loss-of-function variants in DMD are known to be pathogenic (PMID: 16770791, 25007885). This variant is not present in population databases (gnomAD no frequency). This variant has not been reported in the literature in individuals affected with DMD-related conditions. Algorithms developed to predict the effect of sequence changes on RNA splicing suggest that this variant may disrupt the consensus splice site. In summary, the currently available evidence indicates that the variant is pathogenic, but additional data are needed to prove that conclusively. Therefore, this variant has been classified as Likely Pathogenic.

Dr. Peter K. Rogan Lab, Western University
No classification provided (evidence only). Condition: Nonpapillary renal cell carcinoma. Review status: no classification provided. Collection method: in vitro. Allele origin: not applicable. Functional consequence: retained intron. Not counted in ClinVar's aggregate classification.

Literature cited by the submitters: PubMed 16199547 (cited by Labcorp Genetics (formerly Invitae), Labcorp); PubMed 16770791 (cited by Labcorp Genetics (formerly Invitae), Labcorp); PubMed 25007885 (cited by Labcorp Genetics (formerly Invitae), Labcorp).

NM_004006.3(DMD):c.7201-2A>G

Gene: DMD (dystrophin; minus strand). Cytogenetic location: Xp21.1.
Variant type: single nucleotide variant.
Coding change: c.7201-2A>G on transcript NM_004006.3 (MANE Select); the canonical splice acceptor site of the intron before coding-DNA position 7201, A replaced by G.
Molecular consequence: splice acceptor variant.
Genome position (GRCh38, 1-based): chrX:31,820,085, T>C on the plus strand (A>G on the coding strand, the complement: DMD is on the minus strand). VCF-style: chrX-31820085-T-C. GRCh37 (hg19) VCF-style: chrX-31838202-T-C.
Other names: c.7177-2A>G (NM_000109.4); c.3178-2A>G (NM_004011.4); c.3169-2A>G (NM_004012.4); c.-180-2A>G (NM_004023.3, NM_004020.4, NM_004022.3 and 2 more transcripts); c.7189-2A>G (NM_004009.3); c.6832-2A>G (NM_004010.3).
Identifiers: ClinVar variation 3725881 (VCV003725881.3).